The following is an entry in ClinVar:

NM_003982.4(SLC7A7):c.308G>A (p.Ser103Asn)

Gene: SLC7A7 (solute carrier family 7 member 7; minus strand). Cytogenetic location: 14q11.2.
Variant type: single nucleotide variant.
Coding change: c.308G>A on transcript NM_003982.4 (MANE Select); coding-DNA position 308, G replaced by A.
Protein change: p.Ser103Asn; replaces serine 103 with asparagine.
Molecular consequence: missense variant.
Genome position (GRCh38, 1-based): chr14:22,813,091, C>T on the plus strand (G>A on the coding strand, the complement: SLC7A7 is on the minus strand). VCF-style: chr14-22813091-C-T. GRCh37 (hg19) VCF-style: chr14-23282300-C-T.
Other names: c.308G>A, p.Ser103Asn (NM_001126105.3, NM_001126106.4); short protein forms S103N.
Identifiers: ClinVar variation 1428402 (VCV001428402.3), dbSNP rs1253377292, ClinGen allele CA388922302.

ClinVar aggregate classification (germline): Uncertain significance (1 of 4 stars; one submission).

Conditions:
Lysinuric protein intolerance (LPI). Identifiers: Orphanet 470, MedGen C0268647, MONDO:0009109, OMIM 222700.

Allele frequency attached by ClinVar (database versions not stated): gnomAD exomes below 0.00001; TOPMed 0.00002; gnomAD 0.00003.
gnomAD v4.1: 4 of 1,614,082 alleles (0.00025%); highest among the groups gnomAD compares: African/African-American, 0.0053%; no homozygotes.

Submission:

Labcorp Genetics (formerly Invitae), Labcorp
Classification: Uncertain significance for Lysinuric protein intolerance. Last evaluated: 2021-08-07. Review status: criteria provided, single submitter. Criteria: Invitae Variant Classification Sherloc (09022015). Collection method: clinical testing. Allele origin: germline.
Comment: This sequence change replaces serine with asparagine at codon 103 of the SLC7A7 protein (p.Ser103Asn). The serine residue is moderately conserved and there is a small physicochemical difference between serine and asparagine. This variant is not present in population databases (ExAC no frequency). This variant has not been reported in the literature in individuals affected with SLC7A7-related conditions. Algorithms developed to predict the effect of missense changes on protein structure and function are either unavailable or do not agree on the potential impact of this missense change (SIFT: "Tolerated"; PolyPhen-2: "Possibly Damaging"; Align-GVGD: "Class C0"). In summary, the available evidence is currently insufficient to determine the role of this variant in disease. Therefore, it has been classified as a Variant of Uncertain Significance.